The following is an entry in ClinVar:

ClinVar aggregate classification (germline): Uncertain significance (1 of 4 stars; one submission).

Conditions:
Anauxetic dysplasia. Identifiers: Orphanet 93347, MedGen C1846796, MONDO:0011773.

gnomAD v4.1: 1 of 693,358 alleles (0.00014%); highest among the groups gnomAD compares: Middle Eastern, 0.037%; no homozygotes.

Submission:

Labcorp Genetics (formerly Invitae), Labcorp
Classification: Uncertain significance for Anauxetic dysplasia. Last evaluated: 2025-04-23. Review status: criteria provided, single submitter. Criteria: Invitae Variant Classification Sherloc (09022015). Collection method: clinical testing. Allele origin: germline.
Comment: This variant occurs in the RMRP gene, which encodes an RNA molecule that does not result in a protein product. This variant is not present in population databases (gnomAD no frequency). This variant has not been reported in the literature in individuals affected with RMRP-related conditions. Experimental studies and prediction algorithms are not available or were not evaluated, and the functional significance of this variant is currently unknown. In summary, the available evidence is currently insufficient to determine the role of this variant in disease. Therefore, it has been classified as a Variant of Uncertain Significance.

NR_003051.4(RMRP):n.183G>A

Gene: RMRP (RNA component of mitochondrial RNA processing endoribonuclease; minus strand). Cytogenetic location: 9p13.3.
Variant type: single nucleotide variant.
Molecular consequence: non-coding transcript variant (on NR_003051.4).
Genome position: GRCh38 VCF-style: chr9-35657837-C-T. GRCh37 (hg19) VCF-style: chr9-35657834-C-T.
Identifiers: ClinVar variation 4699628 (VCV004699628.1).